The following is an entry in ClinVar:

ClinVar aggregate classification (germline): Uncertain significance (1 of 4 stars; one submission).

Conditions:
Acrocallosal syndrome (ACLS). Also called: Schinzel syndrome 1; Absence of corpus callosum with unusual facial appearance, mental deficiency, duplication of the halluces and polydactyly; HALLUX DUPLICATION, POSTAXIAL POLYDACTYLY, AND ABSENCE OF CORPUS CALLOSUM. Identifiers: Orphanet 36, MedGen C0796147, MONDO:0008708, OMIM 200990.

gnomAD v4.1: 3 of 1,611,368 alleles (0.00019%); highest among the groups gnomAD compares: East Asian, 0.0022%; no homozygotes.

Submission:

Labcorp Genetics (formerly Invitae), Labcorp
Classification: Uncertain significance for Acrocallosal syndrome. Last evaluated: 2024-01-22. Review status: criteria provided, single submitter. Criteria: Invitae Variant Classification Sherloc (09022015). Collection method: clinical testing. Allele origin: germline.
Comment: This sequence change replaces glutamine, which is neutral and polar, with glutamic acid, which is acidic and polar, at codon 1131 of the KIF7 protein (p.Gln1131Glu). This variant is present in population databases (no rsID available, gnomAD 0.0009%). This variant has not been reported in the literature in individuals affected with KIF7-related conditions. ClinVar contains an entry for this variant (Variation ID: 1992855). Advanced modeling of protein sequence and biophysical properties (such as structural, functional, and spatial information, amino acid conservation, physicochemical variation, residue mobility, and thermodynamic stability) performed at Invitae indicates that this missense variant is not expected to disrupt KIF7 protein function with a negative predictive value of 80%. In summary, the available evidence is currently insufficient to determine the role of this variant in disease. Therefore, it has been classified as a Variant of Uncertain Significance.

NM_198525.3(KIF7):c.3391C>G (p.Gln1131Glu)

Genes: KIF7 (kinesin family member 7; minus strand), LOC126862216 (BRD4-independent group 4 enhancer GRCh37_chr15:90171995-90173194; plus strand). Cytogenetic location: 15q26.1.
Variant type: single nucleotide variant.
Coding change: c.3391C>G on transcript NM_198525.3 (MANE Select); coding-DNA position 3391, C replaced by G.
Protein change: p.Gln1131Glu; replaces glutamine 1131 with glutamic acid.
Molecular consequence: missense variant.
Genome position (GRCh38, 1-based): chr15:89,629,501, G>C on the plus strand (C>G on the coding strand, the complement: KIF7 is on the minus strand). VCF-style: chr15-89629501-G-C. GRCh37 (hg19) VCF-style: chr15-90172732-G-C.
Other names: short protein forms Q1131E.
Identifiers: ClinVar variation 1992855 (VCV001992855.4), dbSNP rs1303482997, ClinGen allele CA393755619.